The following is an entry in ClinVar:

NM_001084.5(PLOD3):c.22C>T (p.Pro8Ser)

Gene: PLOD3 (procollagen-lysine,2-oxoglutarate 5-dioxygenase 3; minus strand). Cytogenetic location: 7q22.1.
Variant type: single nucleotide variant.
Coding change: c.22C>T on transcript NM_001084.5 (MANE Select); coding-DNA position 22, C replaced by T.
Protein change: p.Pro8Ser; replaces proline 8 with serine.
Molecular consequence: missense variant.
Genome position (GRCh38, 1-based): chr7:101,217,253, G>A on the plus strand (C>T on the coding strand, the complement: PLOD3 is on the minus strand). VCF-style: chr7-101217253-G-A. GRCh37 (hg19) VCF-style: chr7-100860534-G-A.
Other names: c.22C>T (NM_001084.4); short protein forms P8S.
Identifiers: ClinVar variation 1393815 (VCV001393815.6), dbSNP rs753195591, ClinGen allele CA163355089.

ClinVar aggregate classification (germline): Uncertain significance. Review status: criteria provided, multiple submitters, no conflicts (2 of 4 stars). 2 submissions from 2 submitters: Uncertain significance (2). Last evaluated 2021-11-21.

Conditions:
Inborn genetic diseases. Identifiers: MedGen C0950123, MeSH D030342.

Allele frequency attached by ClinVar (database versions not stated): 1000 Genomes Project 30x 0.00031.

Submissions (2):

Labcorp Genetics (formerly Invitae), Labcorp
Classification: Uncertain significance. Last evaluated: 2021-11-21. Review status: criteria provided, single submitter. Criteria: Invitae Variant Classification Sherloc (09022015). Collection method: clinical testing. Allele origin: germline.
Comment: In summary, the available evidence is currently insufficient to determine the role of this variant in disease. Therefore, it has been classified as a Variant of Uncertain Significance. Algorithms developed to predict the effect of missense changes on protein structure and function are either unavailable or do not agree on the potential impact of this missense change (SIFT: "Tolerated"; PolyPhen-2: "Not Available"; Align-GVGD: "Class C0"). This variant has not been reported in the literature in individuals affected with PLOD3-related conditions. The frequency data for this variant in the population databases is considered unreliable, as metrics indicate poor data quality at this position in the gnomAD database. This sequence change replaces proline, which is neutral and non-polar, with serine, which is neutral and polar, at codon 8 of the PLOD3 protein (p.Pro8Ser).

Ambry Genetics
Classification: Uncertain significance for Inborn genetic diseases. Last evaluated: 2021-09-30. Review status: criteria provided, single submitter. Criteria: Ambry Variant Classification Scheme 2023. Collection method: clinical testing. Allele origin: germline.